The following is an entry in ClinVar:

ClinVar aggregate classification (germline): Uncertain significance. Review status: criteria provided, multiple submitters, no conflicts (2 of 4 stars). 4 submissions from 4 submitters: Uncertain significance (3). 1 of the submissions does not count toward it. Last evaluated 2026-06-15.
ClinVar aggregate classification (oncogenicity): Oncogenic (1 of 4 stars; one submission).

Conditions:
STAT3-related disorder. Also called: STAT3-related condition.
Hyper-IgE recurrent infection syndrome 1, autosomal dominant. Also called: Job's Syndrome; STAT3 Hyper IgE Syndrome; Hyper-IgE recurrent infection syndrome 1; JOB SYNDROME; HYPER-IgE SYNDROME 1, AUTOSOMAL DOMINANT, WITH RECURRENT INFECTIONS. Identifiers: Orphanet 2314, MedGen C2936739, MONDO:0007818, OMIM 147060.
STAT3 gain of function. Identifiers: MedGen C4288261.
EBV-positive nodal T- and NK-cell lymphoma.
Neoplasm. Also called: tumor; Neoplasms; Neoplasm (disease). Identifiers: MedGen C0027651, MeSH D009369, MONDO:0005070, HP:0002664.

Allele frequency attached by ClinVar (database versions not stated): gnomAD exomes below 0.00001; ExAC 0.00001; gnomAD 0.00001.
gnomAD v4.1: 4 of 1,614,046 alleles (0.00025%); highest among the groups gnomAD compares: Non-Finnish European, 0.00034%; no homozygotes.

Submissions (5):

PreventionGenetics, part of Exact Sciences
Classification: Uncertain significance for STAT3-related condition. Last evaluated: 2026-06-15. Review status: criteria provided, single submitter. Criteria: ACMG Guidelines, 2015. Collection method: clinical testing. Allele origin: germline.
Comment: The STAT3 c.1981G>T variant is predicted to result in the amino acid substitution p.Asp661Tyr. This variant has been reported in the heterozygous state in an individual with autoimmune hemolytic anemia and hepatosplenomegaly (Aykut et al. 2024. PubMed ID: 38644452). This variant was also commonly documented as a somatic variant in large granular lymphocytic leukemia (Koskela et al. 2012. PubMed ID: 22591296; Teramo et al. 2017. PubMed ID: 28977911) and functional studies suggested p.Asp661Tyr is a gain-of-function variant (Chen et al. 2017. PubMed ID: 28356514). This variant has not been reported in a large population database, indicating this variant is rare. Although we suspect this variant may be pathogenic, at this time the clinical significance is uncertain due to the absence of conclusive functional and genetic evidence.

Labcorp Genetics (formerly Invitae), Labcorp
Classification: Uncertain significance for STAT3 gain of function; Hyper-IgE recurrent infection syndrome 1, autosomal dominant. Last evaluated: 2025-11-03. Review status: criteria provided, single submitter. Criteria: Invitae Variant Classification Sherloc (09022015). Collection method: clinical testing. Allele origin: germline.
Comment: This sequence change replaces aspartic acid, which is acidic and polar, with tyrosine, which is neutral and polar, at codon 661 of the STAT3 protein (p.Asp661Tyr). This variant is not present in population databases (gnomAD no frequency). This variant has been observed as a somatic variant associated with leukemia (PMID: 24350896, 28977911, 24995504), however, it has not been observed as a germline variant in individuals with STAT3-related conditions. ClinVar contains an entry for this variant (Variation ID: 928790). Invitae Evidence Modeling of protein sequence and biophysical properties (such as structural, functional, and spatial information, amino acid conservation, physicochemical variation, residue mobility, and thermodynamic stability) indicates that this missense variant is expected to disrupt STAT3 protein function with a positive predictive value of 95%. Experimental studies have shown that this missense change affects STAT3 function (PMID: 25586472, 28356514, 30910759). In summary, the available evidence is currently insufficient to determine the role of this variant in disease. Therefore, it has been classified as a Variant of Uncertain Significance.

Center for Genomic Medicine, Rigshospitalet, Copenhagen University Hospital
Classification: Oncogenic for Neoplasm. Last evaluated: 2025-03-04. Review status: criteria provided, single submitter. Criteria: ClinGen/CGC/VICC Guidelines for Oncogenicity, 2022. Collection method: clinical testing. Allele origin: somatic. Affected: yes.

Women's Health and Genetics/Laboratory Corporation of America, LabCorp
Classification: Uncertain significance. Last evaluated: 2024-06-13. Review status: criteria provided, single submitter. Criteria: LabCorp Variant Classification Summary - May 2015. Collection method: clinical testing. Allele origin: germline.
Comment: Variant summary: STAT3 c.1981G>T (p.Asp661Tyr) results in a non-conservative amino acid change located in the SH2 domain of the encoded protein sequence. Five of five in-silico tools predict a damaging effect of the variant on protein function. The variant was absent in 251488 control chromosomes. The available data on variant occurrences in the general population are insufficient to allow any conclusion about variant significance. c.1981G>T has been reported in the literature in multiple individuals as a somatic occurrence in association with cancer, predominantly large granular lymphocyte leukemia (e.g. de Araujo_2019, Ishida_2014, Jerez_2012, Koskela_2012, Laurent_2020). However, no publications were found citing the variant in association with Hyper IgE Syndrome. Functional studies found the variant to play a role in cancer development and described it as an activating, gain-of-function mutation (Chen_2017, Cording_2022). However, the implications of these findings in relation to Hyper IgE syndrome cannot be concluded. This codon, D661, is indicated to be a mutational hotspot for cancers (COSMIC, de Araujo_2019). Variants in nearby codons, M660R, M660T, and I665N, have been reported in association with Hyper IgE syndrome (de Araujo_2019, HGMD). The following publications have been ascertained in the context of this evaluation (PMID: 28356514, 33579790, 24350896, 22859607, 22591296, 31774495, 31558678, 31717342). ClinVar contains an entry for this variant (Variation ID: 928790). Based on the evidence outlined above, the variant was classified as uncertain significance.

Department of Clinical Pathology, School of Medicine, Fujita Health University
Classification: Pathogenic for EBV-positive nodal T- and NK-cell lymphoma. Review status: no assertion criteria provided. Collection method: research. Allele origin: somatic. Affected: yes. Not counted in ClinVar's aggregate classification.

Literature cited by the submitters: PubMed 24350896 (cited by Labcorp Genetics (formerly Invitae), Labcorp and Women's Health and Genetics/Laboratory Corporation of America, LabCorp); PubMed 28977911 (cited by Labcorp Genetics (formerly Invitae), Labcorp); PubMed 24995504 (cited by Labcorp Genetics (formerly Invitae), Labcorp); PubMed 25586472 (cited by Labcorp Genetics (formerly Invitae), Labcorp); PubMed 28356514 (cited by Labcorp Genetics (formerly Invitae), Labcorp and Women's Health and Genetics/Laboratory Corporation of America, LabCorp); PubMed 30910759 (cited by Labcorp Genetics (formerly Invitae), Labcorp); PubMed 22591296 (cited by Center for Genomic Medicine, Rigshospitalet, Copenhagen University Hospital and Women's Health and Genetics/Laboratory Corporation of America, LabCorp); PubMed 22859607 (cited by Women's Health and Genetics/Laboratory Corporation of America, LabCorp); PubMed 31558678 (cited by Women's Health and Genetics/Laboratory Corporation of America, LabCorp); PubMed 31717342 (cited by Women's Health and Genetics/Laboratory Corporation of America, LabCorp); PubMed 31774495 (cited by Women's Health and Genetics/Laboratory Corporation of America, LabCorp); PubMed 33579790 (cited by Women's Health and Genetics/Laboratory Corporation of America, LabCorp).

NM_139276.3(STAT3):c.1981G>T (p.Asp661Tyr)

Gene: STAT3 (signal transducer and activator of transcription 3; minus strand). Cytogenetic location: 17q21.2.
Variant type: single nucleotide variant.
Coding change: c.1981G>T on transcript NM_139276.3 (MANE Select); coding-DNA position 1981, G replaced by T.
Protein change: p.Asp661Tyr; replaces aspartic acid 661 with tyrosine.
Molecular consequence: missense variant.
Genome position (GRCh38, 1-based): chr17:42,322,402, C>A on the plus strand (G>T on the coding strand, the complement: STAT3 is on the minus strand). VCF-style: chr17-42322402-C-A. GRCh37 (hg19) VCF-style: chr17-40474420-C-A.
Other names: c.1981G>T, p.Asp661Tyr (NM_001369512.1, NM_001369513.1, NM_001369514.1 and 7 more transcripts); short protein forms D661Y.
Identifiers: ClinVar variation 928790 (VCV000928790.12), dbSNP rs747639500, ClinGen allele CA8575178.